The following is an entry in ClinVar:

NM_001165963.4(SCN1A):c.4002+2328A>G

Genes: SCN1A (sodium voltage-gated channel alpha subunit 1; minus strand), LOC102724058 (uncharacterized LOC102724058; plus strand). Cytogenetic location: 2q24.3.
Variant type: single nucleotide variant.
Coding change: c.4002+2328A>G on transcript NM_001165963.4 (MANE Select); 2328 bases into the intron after coding-DNA position 4002, A replaced by G.
Molecular consequence: intron variant.
Genome position (GRCh38, 1-based): chr2:166,007,391, T>C on the plus strand (A>G on the coding strand, the complement: SCN1A is on the minus strand). VCF-style: chr2-166007391-T-C. GRCh37 (hg19) VCF-style: chr2-166863901-T-C.
Other names: c.3969+2328A>G (NM_001353949.2, NM_001353950.2, NM_001353951.2 and 2 more transcripts); c.3918+2328A>G (NM_001353958.2, NM_001353957.2, NM_001165964.3); c.4002+2328A>G (NM_001202435.3, NM_001353948.2); c.3966+2328A>G (NM_001353955.2, NM_001353954.2); c.3915+2328A>G (NM_001353960.2); c.1560+2328A>G (NM_001353961.2).
Identifiers: ClinVar variation 3605391 (VCV003605391.2).

ClinVar aggregate classification (germline): Uncertain significance (1 of 4 stars; one submission).

Conditions:
Early-infantile DEE. Also called: Early infantile epileptic encephalopathy; Ohtahara syndrome; Early infantile epileptic encephalopathy with suppression bursts. Identifiers: Orphanet 1934, MedGen C0393706, MONDO:0800491.

Submission:

Labcorp Genetics (formerly Invitae), Labcorp
Classification: Uncertain significance for Early-infantile DEE. Last evaluated: 2025-02-03. Review status: criteria provided, single submitter. Criteria: Invitae Variant Classification Sherloc (09022015). Collection method: clinical testing. Allele origin: germline.
Comment: This sequence change falls in intron 20 of the SCN1A gene. It does not directly change the encoded amino acid sequence of the SCN1A protein. However, this sequence change falls within a region encompassing a cryptic exon in the SCN1A gene, in which variants have been shown to alter splicing (PMID: 30526861, 34107977). This variant is not present in population databases (gnomAD no frequency). This variant has not been reported in the literature in individuals affected with SCN1A-related conditions. Algorithms developed to predict the effect of sequence changes on RNA splicing suggest that this variant is not likely to affect RNA splicing. In summary, the available evidence is currently insufficient to determine the role of this variant in disease. Therefore, it has been classified as a Variant of Uncertain Significance.

Literature cited by the submitters: PubMed 30526861; PubMed 34107977.